The following is an entry in ClinVar:

NM_000548.5(TSC2):c.2103dup (p.Asp702Ter)

Gene: TSC2 (TSC complex subunit 2; plus strand). Cytogenetic location: 16p13.3.
Variant type: Duplication.
Coding change: c.2103dup on transcript NM_000548.5 (MANE Select); coding-DNA position 2103, one base duplicated (T; older notation c.2103dupT).
Protein change: p.Asp702Ter; replaces aspartic acid 702 with a stop codon.
Molecular consequence: nonsense.
Genome position (GRCh38, 1-based): chr16:2,072,246, T duplicated. VCF-style (leftmost placement, unchanged base first): chr16-2072245-C-CT. GRCh37 (hg19) VCF-style: chr16-2122246-C-CT.
Other names: c.2103dup, p.Asp702Ter (NM_001077183.3, NM_001114382.3, NM_001363528.2 and 3 more transcripts); c.1992dup, p.Asp665Ter (NM_001318827.2); c.1956dup, p.Asp653Ter (NM_001318829.2); c.1503dup, p.Asp502Ter (NM_001318831.2); c.2136dup, p.Asp713Ter (NM_001318832.2); short protein forms D713*, D665*, D502*, D702*, D653*.
Identifiers: ClinVar variation 50112 (VCV000050112.3), dbSNP rs137854320, ClinGen allele CA016737.

ClinVar aggregate classification (germline): Pathogenic. Review status: criteria provided, single submitter (1 of 4 stars). 2 submissions from 2 submitters: Pathogenic (1). 1 of the submissions does not count toward it. Last evaluated 2024-10-04.

Conditions:
Tuberous sclerosis syndrome (TSC). Also called: Tuberous Sclerosis Complex; Tuberous sclerosis. Identifiers: Orphanet 805, MedGen C0041341, MONDO:0001734.
Lymphangiomyomatosis (LAM). Also called: Lymphangioleiomyomatosis; Lymphangioleiomyomatosis, somatic. Identifiers: Orphanet 538, MedGen C0751674, MONDO:0011705, OMIM 606690.

Submissions (2):

Dubai Health Genomic Medicine Center, Dubai Health
Classification: Pathogenic for Lymphangioleiomyomatosis. Last evaluated: 2024-10-04. Review status: criteria provided, single submitter. Criteria: ACMG Guidelines, 2015. Collection method: research. Allele origin: germline. Affected: yes.
Comment: PVS1,PM2,PP4

Tuberous sclerosis database (TSC2)
No classification provided. Condition: TSC. Review status: no classification provided. Criteria: Tuberous Sclerosis Database Assertion Criteria 2015. Collection method: curation. Allele origin: germline. Affected: yes. Not counted in ClinVar's aggregate classification.